The following is an entry in ClinVar:

ClinVar aggregate classification (germline): Likely benign (1 of 4 stars; one submission).

gnomAD v4.1: 35 of 1,613,990 alleles (0.0022%); highest among the groups gnomAD compares: Admixed American, 0.015%; no homozygotes.

Submission:

CeGaT Center for Human Genetics Tuebingen
Classification: Likely benign. Last evaluated: 2025-07-01. Review status: criteria provided, single submitter. Criteria: CeGaT Center For Human Genetics Tuebingen Variant Classification Criteria Version 2. Collection method: clinical testing. Allele origin: germline. Affected: yes. Observed: 1 variant allele.
Comment: NID2: BP4, BP7

NM_007361.4(NID2):c.2892C>T (p.Asp964=)

Gene: NID2 (nidogen 2; minus strand). Cytogenetic location: 14q22.1.
Variant type: single nucleotide variant.
Coding change: c.2892C>T on transcript NM_007361.4 (MANE Select); coding-DNA position 2892, C replaced by T.
Protein change: p.Asp964=; no amino-acid change (aspartic acid 964 retained).
Molecular consequence: synonymous variant.
Genome position (GRCh38, 1-based): chr14:52,019,197, G>A on the plus strand (C>T on the coding strand, the complement: NID2 is on the minus strand). VCF-style: chr14-52019197-G-A. GRCh37 (hg19) VCF-style: chr14-52485915-G-A.
Identifiers: ClinVar variation 4085003 (VCV004085003.8).
Genomic context (GRCh38, chr14:52,019,197, plus strand): 5'-CACGCACCAGCAGAAACCAGTGCTGCCATGACACTGTAGGGGCAGGAAGTTGCCCTGCTC[G>A]TCGCATTGGGGGATGTGGAACCGGGCCCCAGGGTAGGCATACTGGGCCTGGGCATGGCGC-3'
Protein context (NP_031387.3, residues 954-974): PGARFHIPQC[Asp964=]EQGNFLPLQC